The following is an entry in ClinVar:

ClinVar aggregate classification (germline): Uncertain significance (1 of 4 stars; one submission).

Conditions:
Inborn genetic diseases. Identifiers: MedGen C0950123, MeSH D030342.

Allele frequency attached by ClinVar (database versions not stated): gnomAD exomes below 0.00001.
gnomAD v4.1: 1 of 1,614,216 alleles (0.000062%); highest among the groups gnomAD compares: Non-Finnish European, 0.000085%; no homozygotes.

Submission:

Ambry Genetics
Classification: Uncertain significance for Inborn genetic diseases. Last evaluated: 2020-08-11. Review status: criteria provided, single submitter. Criteria: Ambry Variant Classification Scheme 2023. Collection method: clinical testing. Allele origin: germline.
Comment: The p.G50A variant (also known as c.149G>C), located in coding exon 3 of the NDRG1 gene, results from a G to C substitution at nucleotide position 149. The glycine at codon 50 is replaced by alanine, an amino acid with similar properties. This amino acid position is highly conserved in available vertebrate species. In addition, this alteration is predicted to be deleterious by in silico analysis. Since supporting evidence is limited at this time, the clinical significance of this alteration remains unclear.

NM_006096.4(NDRG1):c.149G>C (p.Gly50Ala)

Gene: NDRG1 (N-myc downstream regulated 1; minus strand). Cytogenetic location: 8q24.22.
Variant type: single nucleotide variant.
Coding change: c.149G>C on transcript NM_006096.4 (MANE Select); coding-DNA position 149, G replaced by C.
Protein change: p.Gly50Ala; replaces glycine 50 with alanine.
Molecular consequence: missense variant. On other transcripts: 5 prime UTR variant (2), intron variant (1).
Genome position (GRCh38, 1-based): chr8:133,264,603, C>G on the plus strand (G>C on the coding strand, the complement: NDRG1 is on the minus strand). VCF-style: chr8-133264603-C-G. GRCh37 (hg19) VCF-style: chr8-134276846-C-G.
Other names: c.149G>C, p.Gly50Ala (NM_001135242.2, NM_001374844.1, NM_001374845.1 and 1 more transcripts); c.-50G>C (NM_001258432.2, NM_001374847.1); c.-38-2436G>C (NM_001258433.2); short protein forms G50A.
Identifiers: ClinVar variation 1773960 (VCV001773960.2), dbSNP rs2538076627, ClinGen allele CA372256534.